The following is an entry in ClinVar:

ClinVar aggregate classification (germline): Uncertain significance (1 of 4 stars; one submission).

gnomAD v4.1: 5 of 1,102,428 alleles (0.00045%); highest among the groups gnomAD compares: Non-Finnish European, 0.00059%; no homozygotes.

Submission:

GeneDx
Classification: Uncertain significance. Last evaluated: 2024-08-19. Review status: criteria provided, single submitter. Criteria: GeneDx Variant Classification Process June 2021. Collection method: clinical testing. Allele origin: germline. Affected: yes.
Comment: Not observed at significant frequency in large population cohorts (gnomAD); In silico analysis supports a deleterious effect on splicing; Has not been previously published as pathogenic or benign to our knowledge

NM_001145026.2(PTPRQ):c.6453+3A>G

Gene: PTPRQ (protein tyrosine phosphatase receptor type Q; plus strand). Cytogenetic location: 12q21.31.
Variant type: single nucleotide variant.
Coding change: c.6453+3A>G on transcript NM_001145026.2 (MANE Select); 3 bases into the intron after coding-DNA position 6453, A replaced by G.
Molecular consequence: intron variant.
Genome position (GRCh38, 1-based): chr12:80,669,467, A>G. VCF-style: chr12-80669467-A-G. GRCh37 (hg19) VCF-style: chr12-81063246-A-G.
Identifiers: ClinVar variation 3764171 (VCV003764171.1).
Genomic context (GRCh38, chr12:80,669,467, plus strand): 5'-AAAGCTAATGGAGGATGTTCAAATAGATTGGACTATCAGGGATCTGAAAATTGAAAGGGT[A>G]AAAAAAAAAGGGGGGGACGAGAGAACATGATATAAAATATGATTGATCTAAATGTCTAAA-3'